The following is an entry in ClinVar:

ClinVar aggregate classification (germline): Uncertain significance. Review status: criteria provided, multiple submitters, no conflicts (2 of 4 stars). 2 submissions from 2 submitters: Uncertain significance (2). Last evaluated 2025-08-11.

Conditions:
Hereditary cancer-predisposing syndrome. Also called: Hereditary Cancer Syndrome; Hereditary neoplastic syndrome; Neoplastic Syndromes, Hereditary; Tumor predisposition. Identifiers: Orphanet 140162, MedGen C0027672, MeSH D009386, MONDO:0015356.
Bloom syndrome (BLM). Also called: Bloom-Torre-Machacek syndrome. Identifiers: Orphanet 125, MedGen C0005859, MONDO:0008876, OMIM 210900.

Allele frequency attached by ClinVar (database versions not stated): gnomAD exomes below 0.00001.
gnomAD v4.1: 2 of 1,614,166 alleles (0.00012%); highest among the groups gnomAD compares: Non-Finnish European, 0.00017%; no homozygotes.

Submissions (2):

Labcorp Genetics (formerly Invitae), Labcorp
Classification: Uncertain significance for Bloom syndrome. Last evaluated: 2025-08-11. Review status: criteria provided, single submitter. Criteria: Invitae Variant Classification Sherloc (09022015). Collection method: clinical testing. Allele origin: germline.
Comment: This sequence change replaces alanine, which is neutral and non-polar, with valine, which is neutral and non-polar, at codon 1400 of the BLM protein (p.Ala1400Val). This variant is not present in population databases (gnomAD no frequency). This variant has not been reported in the literature in individuals affected with BLM-related conditions. ClinVar contains an entry for this variant (Variation ID: 1738604). An algorithm developed to predict the effect of missense changes on protein structure and function (PolyPhen-2) suggests that this variant is likely to be disruptive. In summary, the available evidence is currently insufficient to determine the role of this variant in disease. Therefore, it has been classified as a Variant of Uncertain Significance.

Ambry Genetics
Classification: Uncertain significance for Hereditary cancer-predisposing syndrome. Last evaluated: 2021-12-01. Review status: criteria provided, single submitter. Criteria: Ambry Variant Classification Scheme 2023. Collection method: clinical testing. Allele origin: germline.
Comment: The p.A1400V variant (also known as c.4199C>T), located in coding exon 21 of the BLM gene, results from a C to T substitution at nucleotide position 4199. The alanine at codon 1400 is replaced by valine, an amino acid with similar properties. This amino acid position is conserved. In addition, the in silico prediction for this alteration is inconclusive. Since supporting evidence is limited at this time, the clinical significance of this alteration remains unclear.

NM_000057.4(BLM):c.4199C>T (p.Ala1400Val)

Gene: BLM (BLM RecQ like helicase; plus strand). Cytogenetic location: 15q26.1.
Variant type: single nucleotide variant.
Coding change: c.4199C>T on transcript NM_000057.4 (MANE Select); coding-DNA position 4199, C replaced by T.
Protein change: p.Ala1400Val; replaces alanine 1400 with valine.
Molecular consequence: missense variant.
Genome position (GRCh38, 1-based): chr15:90,815,224, C>T. VCF-style: chr15-90815224-C-T. GRCh37 (hg19) VCF-style: chr15-91358454-C-T.
Other names: c.4199C>T, p.Ala1400Val (NM_001287246.2); c.3806C>T, p.Ala1269Val (NM_001287247.2); c.3074C>T, p.Ala1025Val (NM_001287248.2); short protein forms A1269V, A1025V, A1400V.
Identifiers: ClinVar variation 1738604 (VCV001738604.3), dbSNP rs2151202394, ClinGen allele CA393852643.